The following is an entry in ClinVar:

NM_001283009.2(RTEL1):c.3334C>A (p.Leu1112Met)

Genes: RTEL1 (regulator of telomere elongation helicase 1; plus strand), RTEL1-TNFRSF6B (RTEL1-TNFRSF6B readthrough (NMD candidate); plus strand). Cytogenetic location: 20q13.33.
Variant type: single nucleotide variant.
Coding change: c.3334C>A on transcript NM_001283009.2 (MANE Select); coding-DNA position 3334, C replaced by A.
Protein change: p.Leu1112Met; replaces leucine 1112 with methionine.
Molecular consequence: missense variant. On other transcripts: non-coding transcript variant (1).
Genome position (GRCh38, 1-based): chr20:63,694,965, C>A. VCF-style: chr20-63694965-C-A. GRCh37 (hg19) VCF-style: chr20-62326318-C-A.
Other names: c.2665C>A, p.Leu889Met (NM_001283010.1); c.3334C>A, p.Leu1112Met (NM_016434.4); c.3406C>A, p.Leu1136Met (NM_032957.5); short protein forms L1112M, L1136M, L889M.
Identifiers: ClinVar variation 3791173 (VCV003791173.1).

ClinVar aggregate classification (germline): Uncertain significance (1 of 4 stars; one submission).

Conditions:
Inborn genetic diseases. Identifiers: MedGen C0950123, MeSH D030342.

gnomAD v4.1: 1 of 1,612,438 alleles (0.000062%); highest among the groups gnomAD compares: African/African-American, 0.0013%; no homozygotes.

Submission:

Ambry Genetics
Classification: Uncertain significance for Inborn genetic diseases. Last evaluated: 2025-02-22. Review status: criteria provided, single submitter. Criteria: Ambry Variant Classification Scheme 2023. Collection method: clinical testing. Allele origin: germline.
Comment: The p.L1112M variant (also known as c.3334C>A), located in coding exon 31 of the RTEL1 gene, results from a C to A substitution at nucleotide position 3334. The leucine at codon 1112 is replaced by methionine, an amino acid with highly similar properties. This amino acid position is conserved. In addition, the in silico prediction for this alteration is inconclusive. Based on the available evidence, the clinical significance of this variant remains unclear.